The following is an entry in ClinVar:

NC_000012.11:g.(?_49688929)_49691464dup

Gene: PRPH (peripherin; plus strand). Cytogenetic location: 12q13.12.
Variant type: Duplication.
Identifiers: ClinVar variation 4688354 (VCV004688354.1).

ClinVar aggregate classification (germline): Benign (1 of 4 stars; one submission).

Submission:

Women's Health and Genetics/Laboratory Corporation of America, LabCorp
Classification: Benign. Last evaluated: 2025-12-12. Review status: criteria provided, single submitter. Criteria: LabCorp Variant Classification Summary - May 2015. Collection method: clinical testing. Allele origin: germline.
Comment: Variant summary: The variant involves the duplication of exons 1-6 and a part of exon 7 in the PRPH gene. A presumed nomenclature of c.(?_-55)_1222dup has been designated for the purposes of this classification. The exact breakpoint at the 5' end of this variant is unknown, therefore this duplication may extend upstream of the annotated region of this gene. It is assumed to be a tandem duplication in direct orientation (PMIDs: 25640679, 30054569). It is predicted to duplicate a segment including the initiation codon, therefore its impact on the encoded protein is unknown. A large duplication, corresponding to exons 1-6 and a part of exon 7 of the PRPH gene was found at a frequency of 0.0027 in 21688 control chromosomes in the gnomAD database, including 2 homozygotes in the gnomAD database Structural Variants v2.1 dataset. The observed variant frequency exceeds the estimated maximal expected allele frequency for disease-causing variants in PRPH. In addition, similar duplications which include the initiation codon together with a large upstream DNA region have been found in the gnomAD database Structural Variants v4.1 dataset and were aggregated in the DGV Gold Standard Variants dataset at a frequency of ~0.0043 (gssvG8573), suggesting that similar variants are benign. To our knowledge, no occurrence of c.(?_-55)_1222dup in individuals affected with PRPH-related conditions and no experimental evidence demonstrating its impact on protein function have been reported. No submitters have cited clinical-significance assessments for this variant to ClinVar. Based on the evidence outlined above, the variant was classified as benign.